The following is an entry in ClinVar:

NM_007118.4(TRIO):c.7001G>C (p.Ser2334Thr)

Gene: TRIO (trio Rho guanine nucleotide exchange factor; plus strand). Cytogenetic location: 5p15.2.
Variant type: single nucleotide variant.
Coding change: c.7001G>C on transcript NM_007118.4 (MANE Select); coding-DNA position 7001, G replaced by C.
Protein change: p.Ser2334Thr; replaces serine 2334 with threonine.
Molecular consequence: missense variant. On other transcripts: non-coding transcript variant (1).
Genome position (GRCh38, 1-based): chr5:14,487,629, G>C. VCF-style: chr5-14487629-G-C. GRCh37 (hg19) VCF-style: chr5-14487738-G-C.
Other names: short protein forms S2334T.
Identifiers: ClinVar variation 1189637 (VCV001189637.5), dbSNP rs375274497, ClinGen allele CA114003735.

ClinVar aggregate classification (germline): Uncertain significance. Review status: criteria provided, multiple submitters, no conflicts (2 of 4 stars). 4 submissions from 4 submitters: Uncertain significance (4). Last evaluated 2024-06-07.

Conditions:
Inborn genetic diseases. Identifiers: MedGen C0950123, MeSH D030342.
Intellectual developmental disorder, autosomal dominant 44, with microcephaly. Also called: TRIO-Related Intellectual Disability; Micrognathia-recurrent infections-behavioral abnormalities-mild intellectual disability syndrome. Identifiers: Orphanet 476126, MedGen C4310740, MONDO:0014892, OMIM 617061.
Intellectual developmental disorder, autosomal dominant 63, with macrocephaly. Also called: MENTAL RETARDATION, AUTOSOMAL DOMINANT 63, WITH MACROCEPHALY. Identifiers: MedGen C5394205, MONDO:0032939, OMIM 618825.

Allele frequency attached by ClinVar (database versions not stated): gnomAD exomes 0.00004; TOPMed 0.00004; ESP Exome Variant Server 0.00008.
gnomAD v4.1: 46 of 1,223,196 alleles (0.0038%); highest among the groups gnomAD compares: Non-Finnish European, 0.0043%; no homozygotes.

Submissions (4):

Fulgent Genetics
Classification: Uncertain significance for Intellectual developmental disorder, autosomal dominant 44, with microcephaly; Intellectual developmental disorder, autosomal dominant 63, with macrocephaly. Last evaluated: 2024-06-07. Review status: criteria provided, single submitter. Criteria: ACMG Guidelines, 2015. Collection method: clinical testing. Allele origin: germline.

Ambry Genetics
Classification: Uncertain significance for Inborn genetic diseases. Last evaluated: 2023-12-13. Review status: criteria provided, single submitter. Criteria: Ambry Variant Classification Scheme 2023. Collection method: clinical testing. Allele origin: germline.

New York Genome Center
Classification: Uncertain significance for Intellectual developmental disorder, autosomal dominant 44, with microcephaly. Last evaluated: 2021-04-09. Review status: criteria provided, single submitter. Criteria: NYGC Assertion Criteria 2020. Collection method: clinical testing. Allele origin: inherited. Observed: 1 heterozygote. Study: CSER-NYCKidSeq.

GeneDx
Classification: Uncertain significance. Last evaluated: 2020-10-02. Review status: criteria provided, single submitter. Criteria: GeneDx Variant Classification Process June 2021. Collection method: clinical testing. Allele origin: germline. Affected: yes.
Comment: Not observed in large population cohorts (Lek et al., 2016); In silico analysis, which includes protein predictors and evolutionary conservation, supports that this variant does not alter protein structure/function; Has not been previously published as pathogenic or benign to our knowledge